The following is an entry in ClinVar:

ClinVar aggregate classification (germline): Benign (1 of 4 stars; one submission).

gnomAD v4.1: 376 of 1,613,572 alleles (0.023%); highest among the groups gnomAD compares: South Asian, 0.28%; 2 homozygotes.

Submission:

CeGaT Center for Human Genetics Tuebingen
Classification: Benign. Last evaluated: 2026-01-01. Review status: criteria provided, single submitter. Criteria: CeGaT Center For Human Genetics Tuebingen Variant Classification Criteria Version 2. Collection method: clinical testing. Allele origin: germline. Affected: yes. Observed: 1 variant allele.
Comment: SUZ12: BP4, BS1, BS2

NM_015355.4(SUZ12):c.291T>C (p.Tyr97=)

Gene: SUZ12 (SUZ12 polycomb repressive complex 2 subunit; plus strand). Cytogenetic location: 17q11.2.
Variant type: single nucleotide variant.
Coding change: c.291T>C on transcript NM_015355.4 (MANE Select); coding-DNA position 291, T replaced by C.
Protein change: p.Tyr97=; no amino-acid change (tyrosine 97 retained).
Molecular consequence: synonymous variant.
Genome position (GRCh38, 1-based): chr17:31,940,302, T>C. VCF-style: chr17-31940302-T-C. GRCh37 (hg19) VCF-style: chr17-30267321-T-C.
Other names: c.291T>C, p.Tyr97= (NM_001321207.2).
Identifiers: ClinVar variation 4821439 (VCV004821439.4).